The following is an entry in ClinVar:

ClinVar aggregate classification (germline): Uncertain significance (1 of 4 stars; one submission).

Conditions:
Charcot-Marie-Tooth disease axonal type 2Z. Also called: CHARCOT-MARIE-TOOTH DISEASE, AXONAL, AUTOSOMAL DOMINANT, TYPE 2Z; CHARCOT-MARIE-TOOTH NEUROPATHY, TYPE 2Z. Identifiers: Orphanet 466768, MedGen C5569025, MONDO:0014736, OMIM 616688.

Submission:

Labcorp Genetics (formerly Invitae), Labcorp
Classification: Uncertain significance for Charcot-Marie-Tooth disease axonal type 2Z. Last evaluated: 2022-07-13. Review status: criteria provided, single submitter. Criteria: Invitae Variant Classification Sherloc (09022015). Collection method: clinical testing. Allele origin: germline.
Comment: Variants that disrupt the consensus splice site are a relatively common cause of aberrant splicing (PMID: 17576681, 9536098). Algorithms developed to predict the effect of sequence changes on RNA splicing suggest that this variant is not likely to affect RNA splicing. In summary, the available evidence is currently insufficient to determine the role of this variant in disease. Therefore, it has been classified as a Variant of Uncertain Significance. This sequence change falls in intron 18 of the MORC2 gene. It does not directly change the encoded amino acid sequence of the MORC2 protein. It affects a nucleotide within the consensus splice site. This variant is not present in population databases (gnomAD no frequency). This variant has not been reported in the literature in individuals affected with MORC2-related conditions.

Literature cited by the submitters: PubMed 17576681; PubMed 9536098.

NM_001303256.3(MORC2):c.1812+5dup

Gene: MORC2 (MORC family CW-type zinc finger 2; minus strand). Cytogenetic location: 22q12.2.
Variant type: Duplication.
Coding change: c.1812+5dup on transcript NM_001303256.3 (MANE Select); 5 bases into the intron after coding-DNA position 1812, one base duplicated (A; older notation c.1812+5dupA).
Molecular consequence: intron variant.
Genome position (GRCh38, 1-based): chr22:30,935,243, T duplicated on the plus strand (A on the coding strand, the reverse complement: MORC2 is on the minus strand); the first of 2 consecutive T bases (chr22:30,935,243-30,935,244); duplicating either gives the same sequence. VCF-style (leftmost placement, unchanged base first): chr22-30935242-C-CT. GRCh37 (hg19) VCF-style: chr22-31331229-C-CT.
Other names: c.1812+5dup (NM_001303257.2); c.1626+5dup (NM_014941.3).
Identifiers: ClinVar variation 2016777 (VCV002016777.4), dbSNP rs2517581113, ClinGen allele CA2580099585.